The following is an entry in ClinVar:

ClinVar aggregate classification (germline): Uncertain significance. Review status: criteria provided, multiple submitters, no conflicts (2 of 4 stars). 2 submissions from 2 submitters: Uncertain significance (2). Last evaluated 2023-11-19.

Conditions:
Hereditary cancer-predisposing syndrome. Also called: Neoplastic Syndromes, Hereditary; Tumor predisposition; Hereditary Cancer Syndrome; Hereditary neoplastic syndrome. Identifiers: Orphanet 140162, MedGen C0027672, MeSH D009386, MONDO:0015356.
Oligodontia-cancer predisposition syndrome. Also called: TOOTH AGENESIS-COLORECTAL CANCER SYNDROME. Identifiers: Orphanet 300576, MedGen C1837750, MONDO:0012075, OMIM 608615. Disease mechanism: loss of function.

Submissions (2):

Ambry Genetics
Classification: Uncertain significance for Hereditary cancer-predisposing syndrome. Last evaluated: 2023-11-19. Review status: criteria provided, single submitter. Criteria: Ambry Variant Classification Scheme 2023. Collection method: clinical testing. Allele origin: germline.
Comment: The p.H558L variant (also known as c.1673A>T), located in coding exon 5 of the AXIN2 gene, results from an A to T substitution at nucleotide position 1673. The histidine at codon 558 is replaced by leucine, an amino acid with similar properties. This amino acid position is conserved. In addition, the in silico prediction for this alteration is inconclusive. Since supporting evidence is limited at this time, the clinical significance of this alteration remains unclear.

Labcorp Genetics (formerly Invitae), Labcorp
Classification: Uncertain significance for Oligodontia-cancer predisposition syndrome. Last evaluated: 2022-10-07. Review status: criteria provided, single submitter. Criteria: Invitae Variant Classification Sherloc (09022015). Collection method: clinical testing. Allele origin: germline.
Comment: This sequence change replaces histidine, which is basic and polar, with leucine, which is neutral and non-polar, at codon 558 of the AXIN2 protein (p.His558Leu). This variant is not present in population databases (gnomAD no frequency). This variant has not been reported in the literature in individuals affected with AXIN2-related conditions. ClinVar contains an entry for this variant (Variation ID: 464564). Advanced modeling of protein sequence and biophysical properties (such as structural, functional, and spatial information, amino acid conservation, physicochemical variation, residue mobility, and thermodynamic stability) performed at Invitae indicates that this missense variant is not expected to disrupt AXIN2 protein function. In summary, the available evidence is currently insufficient to determine the role of this variant in disease. Therefore, it has been classified as a Variant of Uncertain Significance.

NM_004655.4(AXIN2):c.1673A>T (p.His558Leu)

Gene: AXIN2 (axin 2; minus strand). Cytogenetic location: 17q24.1.
Variant type: single nucleotide variant.
Coding change: c.1673A>T on transcript NM_004655.4 (MANE Select); coding-DNA position 1673, A replaced by T.
Protein change: p.His558Leu; replaces histidine 558 with leucine.
Molecular consequence: missense variant.
Genome position (GRCh38, 1-based): chr17:65,537,363, T>A on the plus strand (A>T on the coding strand, the complement: AXIN2 is on the minus strand). VCF-style: chr17-65537363-T-A. GRCh37 (hg19) VCF-style: chr17-63533481-T-A.
Other names: c.1673A>T, p.His558Leu (NM_001363813.1); c.1673A>T (LRG_296t1); short protein forms H558L.
Identifiers: ClinVar variation 464564 (VCV000464564.9), dbSNP rs1555577588, ClinGen allele CA400676866.